The following is an entry in ClinVar:

NM_003265.3(TLR3):c.2426G>A (p.Arg809Lys)

Gene: TLR3 (toll like receptor 3; plus strand). Cytogenetic location: 4q35.1.
Variant type: single nucleotide variant.
Coding change: c.2426G>A on transcript NM_003265.3 (MANE Select); coding-DNA position 2426, G replaced by A.
Protein change: p.Arg809Lys; replaces arginine 809 with lysine.
Molecular consequence: missense variant.
Genome position (GRCh38, 1-based): chr4:186,084,112, G>A. VCF-style: chr4-186084112-G-A. GRCh37 (hg19) VCF-style: chr4-187005266-G-A.
Other names: c.2426G>A (NM_003265.2); short protein forms R809K.
Identifiers: ClinVar variation 1035243 (VCV001035243.10), dbSNP rs777430960, ClinGen allele CA3161567.
Genomic context (GRCh38, chr4:186,084,112, plus strand): 5'-AAGAAAGGGACTTTGAGGCGGGTGTTTTTGAACTAGAAGCAATTGTTAACAGCATCAAAA[G>A]AAGCAGAAAAATTATTTTTGTTATAACACACCATCTATTAAAAGACCCATTATGCAAAAG-3'
Protein context (NP_003256.1, residues 799-819): ELEAIVNSIK[Arg809Lys]SRKIIFVITH

ClinVar aggregate classification (germline): Uncertain significance. Review status: criteria provided, multiple submitters, no conflicts (2 of 4 stars). 2 submissions from 2 submitters: Uncertain significance (2). Last evaluated 2024-09-22.

Conditions:
Encephalopathy, acute, infection-induced (herpes-specific), susceptibility to, 1. Also called: Herpes simplex encephalitis, susceptibility to, 1. Identifiers: Orphanet 1930, MedGen C2750180, MONDO:0024563, OMIM 610551.

Allele frequency attached by ClinVar (database versions not stated): gnomAD exomes below 0.00001; gnomAD 0.00001; TOPMed 0.00001; ExAC 0.00001.
gnomAD v4.1: 77 of 1,613,930 alleles (0.0048%); highest among the groups gnomAD compares: Non-Finnish European, 0.0064%; no homozygotes.

Submissions (2):

Labcorp Genetics (formerly Invitae), Labcorp
Classification: Uncertain significance for Encephalopathy, acute, infection-induced (herpes-specific), susceptibility to, 1. Last evaluated: 2024-09-22. Review status: criteria provided, single submitter. Criteria: Invitae Variant Classification Sherloc (09022015). Collection method: clinical testing. Allele origin: germline.
Comment: This sequence change replaces arginine, which is basic and polar, with lysine, which is basic and polar, at codon 809 of the TLR3 protein (p.Arg809Lys). This variant is present in population databases (rs777430960, gnomAD 0.0009%). This variant has not been reported in the literature in individuals affected with TLR3-related conditions. ClinVar contains an entry for this variant (Variation ID: 1035243). An algorithm developed to predict the effect of missense changes on protein structure and function outputs the following: PolyPhen-2: "Benign". The lysine amino acid residue is found in multiple mammalian species, which suggests that this missense change does not adversely affect protein function. In summary, the available evidence is currently insufficient to determine the role of this variant in disease. Therefore, it has been classified as a Variant of Uncertain Significance.

Ambry Genetics
Classification: Uncertain significance. Last evaluated: 2022-06-17. Review status: criteria provided, single submitter. Criteria: Ambry Variant Classification Scheme 2023. Collection method: clinical testing. Allele origin: germline.